The following is an entry in ClinVar:

ClinVar aggregate classification (germline): Benign/Likely benign. Review status: criteria provided, multiple submitters, no conflicts (2 of 4 stars). 4 submissions from 4 submitters: Benign (2); Likely benign (1). 1 of the submissions does not count toward it. Last evaluated 2026-01-27.

Conditions:
RNF216-related disorder. Also called: RNF216-related condition.

Allele frequency attached by ClinVar (database versions not stated): 1000 Genomes Project 30x 0.00718; 1000 Genomes Project 0.00759; TOPMed 0.01792; gnomAD exomes 0.01922 and 0.02678; gnomAD 0.01924 and 0.01973; ExAC 0.01951; ESP Exome Variant Server 0.01999.
gnomAD v4.1: 41,921 of 1,614,142 alleles (2.6%); highest among the groups gnomAD compares: Non-Finnish European, 3.1%; 633 homozygotes.

Submissions (4):

Labcorp Genetics (formerly Invitae), Labcorp
Classification: Benign. Last evaluated: 2026-01-27. Review status: criteria provided, single submitter. Criteria: Invitae Variant Classification Sherloc (09022015). Collection method: clinical testing. Allele origin: germline.

Blueprint Genetics
Classification: Likely benign. Last evaluated: 2024-11-26. Review status: criteria provided, single submitter. Criteria: ACMG Guidelines, 2015. Collection method: clinical testing. Allele origin: germline.

Mayo Clinic Laboratories, Mayo Clinic
Classification: Benign. Last evaluated: 2023-04-20. Review status: criteria provided, single submitter. Criteria: ACMG Guidelines, 2015. Collection method: clinical testing. Allele origin: germline. Observed: 21 variant alleles.
Comment: BS1, BS2, BP4, BP7

PreventionGenetics, part of Exact Sciences
Classification: Likely benign for RNF216-related condition. Last evaluated: 2019-03-13. Review status: no assertion criteria provided. Collection method: clinical testing. Allele origin: germline. Not counted in ClinVar's aggregate classification.
Comment: This variant is classified as likely benign based on ACMG/AMP sequence variant interpretation guidelines (Richards et al. 2015 PMID: 25741868, with internal and published modifications).

NM_207111.4(RNF216):c.1302C>T (p.Leu434=)

Gene: RNF216 (ring finger protein 216; minus strand). Cytogenetic location: 7p22.1.
Variant type: single nucleotide variant.
Coding change: c.1302C>T on transcript NM_207111.4 (MANE Select); coding-DNA position 1302, C replaced by T.
Protein change: p.Leu434=; no amino-acid change (leucine 434 retained).
Molecular consequence: synonymous variant.
Genome position (GRCh38, 1-based): chr7:5,729,519, G>A on the plus strand (C>T on the coding strand, the complement: RNF216 is on the minus strand). VCF-style: chr7-5729519-G-A. GRCh37 (hg19) VCF-style: chr7-5769150-G-A.
Other names: p.Leu434=; c.1131C>T, p.Leu377= (NM_001377156.1, NM_207116.3); c.1302C>T (NM_207111.3).
Identifiers: ClinVar variation 1165329 (VCV001165329.13), dbSNP rs61753114, ClinGen allele CA4148249.
Genomic context (GRCh38, chr7:5,729,519, plus strand): 5'-GAGCTCGTGCAGGGCCCACTTGATGTCCTGACTACTGAGCACTTTGAAGTCGGCCATGAG[G>A]AGGTCAGCAGCTTGGATGAAGCAGCGCTGGTCAAGAGGGGTCAATTTAGAATAGTCAAAA-3'
Protein context (NP_996994.1, residues 424-444): DQRCFIQAAD[Leu434=]LMADFKVLSS